The following is an entry in ClinVar:

ClinVar aggregate classification (germline): Uncertain significance (1 of 4 stars; one submission).

Submission:

GeneDx
Classification: Uncertain significance. Last evaluated: 2025-03-26. Review status: criteria provided, single submitter. Criteria: GeneDx Variant Classification Process June 2021. Collection method: clinical testing. Allele origin: germline. Affected: yes.
Comment: Not observed at significant frequency in large population cohorts (gnomAD); In silico analysis indicates that this missense variant does not alter protein structure/function; Has not been previously published as pathogenic or benign to our knowledge

NM_007363.5(NONO):c.1097A>G (p.Gln366Arg)

Gene: NONO (non-POU domain containing octamer binding; plus strand). Cytogenetic location: Xq13.1.
Variant type: single nucleotide variant.
Coding change: c.1097A>G on transcript NM_007363.5 (MANE Select); coding-DNA position 1097, A replaced by G.
Protein change: p.Gln366Arg; replaces glutamine 366 with arginine.
Molecular consequence: missense variant.
Genome position (GRCh38, 1-based): chrX:71,297,904, A>G. VCF-style: chrX-71297904-A-G. GRCh37 (hg19) VCF-style: chrX-70517754-A-G.
Other names: c.1097A>G, p.Gln366Arg (NM_001145408.2, NM_001145409.2); c.830A>G, p.Gln277Arg (NM_001145410.2); short protein forms Q277R, Q366R.
Identifiers: ClinVar variation 4088033 (VCV004088033.1).